The following is an entry in ClinVar:

NM_001374736.1(DST):c.17472G>A (p.Lys5824=)

Gene: DST (dystonin; minus strand). Cytogenetic location: 6p12.1.
Variant type: single nucleotide variant.
Coding change: c.17472G>A on transcript NM_001374736.1 (MANE Select); coding-DNA position 17472, G replaced by A.
Protein change: p.Lys5824=; no amino-acid change (lysine 5824 retained).
Molecular consequence: synonymous variant. On other transcripts: intron variant (2).
Genome position (GRCh38, 1-based): chr6:56,529,571, C>T on the plus strand (G>A on the coding strand, the complement: DST is on the minus strand). VCF-style: chr6-56529571-C-T. GRCh37 (hg19) VCF-style: chr6-56394369-C-T.
Other names: c.11115G>A, p.Lys3705= (NM_001144769.5); c.10701G>A, p.Lys3567= (NM_001144770.2); c.17472G>A, p.Lys5824= (NM_001374722.1); c.17499G>A, p.Lys5833= (NM_001374734.1); c.10581G>A, p.Lys3527= (NM_001386100.1, NM_183380.4); c.9603G>A, p.Lys3201= (NM_015548.5); c.10377+403G>A (NM_001374730.1); c.16635+403G>A (NM_001374729.1).
Identifiers: ClinVar variation 2176500 (VCV002176500.1), dbSNP rs750792453, ClinGen allele CA3867431.

ClinVar aggregate classification (germline): Uncertain significance (1 of 4 stars; one submission).

Conditions:
Hereditary sensory and autonomic neuropathy type 6. Also called: HSAN VI; Neuropathy, hereditary sensory and autonomic, type VI. Identifiers: Orphanet 314381, MedGen C3539003, MONDO:0013839, OMIM 614653.
Epidermolysis bullosa simplex 3, localized or generalized intermediate, with BP230 deficiency (EBS3). Also called: Epidermolysis bullosa simplex due to BP230 deficiency; Epidermolysis bullosa simplex, autosomal recessive 2. Identifiers: Orphanet 412181, MedGen C3809470, MONDO:0014180, OMIM 615425.

Allele frequency attached by ClinVar (database versions not stated): TOPMed below 0.00001; ExAC 0.00001; gnomAD exomes 0.00007.
gnomAD v4.1: 99 of 1,613,828 alleles (0.0061%); highest among the groups gnomAD compares: Middle Eastern, 0.033%; no homozygotes.

Submission:

Labcorp Genetics (formerly Invitae), Labcorp
Classification: Uncertain significance for Epidermolysis bullosa simplex 3, localized or generalized intermediate, with BP230 deficiency; Hereditary sensory and autonomic neuropathy type 6. Last evaluated: 2022-05-01. Review status: criteria provided, single submitter. Criteria: Invitae Variant Classification Sherloc (09022015). Collection method: clinical testing. Allele origin: germline.
Comment: The DST gene has multiple clinically relevant transcripts. This variant occurs in alternate transcript NM_015548.4, and corresponds to NM_001723.5:c.*85946G>A in the primary transcript. This sequence change affects codon 3201 of the DST mRNA. It is a 'silent' change, meaning that it does not change the encoded amino acid sequence of the DST protein. This variant is present in population databases (rs750792453, gnomAD 0.0009%). This variant has not been reported in the literature in individuals affected with DST-related conditions. Experimental studies and prediction algorithms are not available or were not evaluated, and the effect of this variant on mRNA splicing is currently unknown. In summary, the available evidence is currently insufficient to determine the role of this variant in disease. Therefore, it has been classified as a Variant of Uncertain Significance.